The following is an entry in ClinVar:

NM_021008.4(DEAF1):c.1451G>A (p.Arg484Gln)

Genes: DEAF1 (DEAF1 transcription factor; minus strand), LOC126861109 (BRD4-independent group 4 enhancer GRCh37_chr11:673917-675116; plus strand). Cytogenetic location: 11p15.5.
Variant type: single nucleotide variant.
Coding change: c.1451G>A on transcript NM_021008.4 (MANE Select); coding-DNA position 1451, G replaced by A.
Protein change: p.Arg484Gln; replaces arginine 484 with glutamine.
Molecular consequence: missense variant.
Genome position (GRCh38, 1-based): chr11:674,588, C>T on the plus strand (G>A on the coding strand, the complement: DEAF1 is on the minus strand). VCF-style: chr11-674588-C-T. GRCh37 (hg19) VCF-style: chr11-674588-C-T.
Other names: c.1184G>A, p.Arg395Gln (NM_001293634.2); c.725G>A, p.Arg242Gln (NM_001367390.1); short protein forms R395Q, R484Q, R242Q.
Identifiers: ClinVar variation 2856912 (VCV002856912.4), dbSNP rs752205049, ClinGen allele CA5786213.
Genomic context (GRCh38, chr11:674,588, plus strand): 5'-AAGGTTACCTCCTTCCGCTCTGCGTCAGCGTGGATCTTGGCCTGGTTTGTGGCAGCTTCT[C>T]GGTAGGTGCTGGCATGCTTGGCTTGCTCAAACAGCGTCTTCAGCTGCTGCGCTGTGTTGA-3'
Protein context (NP_066288.2, residues 474-494): FEQAKHASTY[Arg484Gln]EAATNQAKIH

ClinVar aggregate classification (germline): Uncertain significance. Review status: criteria provided, multiple submitters, no conflicts (2 of 4 stars). 2 submissions from 2 submitters: Uncertain significance (2). Last evaluated 2026-02-03.

Conditions:
Inborn genetic diseases. Identifiers: MedGen C0950123, MeSH D030342.

Allele frequency attached by ClinVar (database versions not stated): ExAC 0.00001; TOPMed 0.00035.
gnomAD v4.1: 45 of 1,613,996 alleles (0.0028%); highest among the groups gnomAD compares: African/African-American, 0.0027%; no homozygotes.

Submissions (2):

Labcorp Genetics (formerly Invitae), Labcorp
Classification: Uncertain significance. Last evaluated: 2026-02-03. Review status: criteria provided, single submitter. Criteria: Invitae Variant Classification Sherloc (09022015). Collection method: clinical testing. Allele origin: germline.
Comment: This sequence change replaces arginine, which is basic and polar, with glutamine, which is neutral and polar, at codon 484 of the DEAF1 protein (p.Arg484Gln). This variant is present in population databases (rs752205049, gnomAD 0.007%). This variant has not been reported in the literature in individuals affected with DEAF1-related conditions. ClinVar contains an entry for this variant (Variation ID: 2856912). Invitae Evidence Modeling of protein sequence and biophysical properties (such as structural, functional, and spatial information, amino acid conservation, physicochemical variation, residue mobility, and thermodynamic stability) indicates that this missense variant is not expected to disrupt DEAF1 protein function with a negative predictive value of 80%. In summary, the available evidence is currently insufficient to determine the role of this variant in disease. Therefore, it has been classified as a Variant of Uncertain Significance.

Ambry Genetics
Classification: Uncertain significance for Inborn genetic diseases. Last evaluated: 2025-04-29. Review status: criteria provided, single submitter. Criteria: Ambry Variant Classification Scheme 2023. Collection method: clinical testing. Allele origin: germline.